The following is an entry in ClinVar:

ClinVar aggregate classification (germline): Uncertain significance. Review status: criteria provided, single submitter (1 of 4 stars). 2 submissions from 2 submitters: Uncertain significance (1). 1 of the submissions does not count toward it. Last evaluated 2023-04-29.

Conditions:
SEMA3E-related disorder. Also called: SEMA3E-related condition.
CHARGE syndrome (CHARGE). Also called: Hittner Hirsch Kreh syndrome; CHARGE ASSOCIATION--COLOBOMA, HEART ANOMALY, CHOANAL ATRESIA, RETARDATION, GENITAL AND EAR ANOMALIES; Coloboma, heart anomaly, choanal atresia, retardation, genital and ear anomalies; CHARGE association; Hall-Hittner syndrome. Identifiers: Orphanet 138, MedGen C0265354, MONDO:0008965.

Allele frequency attached by ClinVar (database versions not stated): ExAC 0.00001.
gnomAD v4.1: 5 of 1,614,080 alleles (0.00031%); highest among the groups gnomAD compares: Non-Finnish European, 0.00042%; no homozygotes.

Submissions (2):

Labcorp Genetics (formerly Invitae), Labcorp
Classification: Uncertain significance for CHARGE syndrome. Last evaluated: 2023-04-29. Review status: criteria provided, single submitter. Criteria: Invitae Variant Classification Sherloc (09022015). Collection method: clinical testing. Allele origin: germline.
Comment: In summary, the available evidence is currently insufficient to determine the role of this variant in disease. Therefore, it has been classified as a Variant of Uncertain Significance. An algorithm developed to predict the effect of missense changes on protein structure and function (PolyPhen-2) suggests that this variant is likely to be disruptive. This variant has not been reported in the literature in individuals affected with SEMA3E-related conditions. This variant is present in population databases (rs746701899, gnomAD 0.0009%). This sequence change replaces arginine, which is basic and polar, with leucine, which is neutral and non-polar, at codon 767 of the SEMA3E protein (p.Arg767Leu).

PreventionGenetics, part of Exact Sciences
Classification: Uncertain significance for SEMA3E-related condition. Last evaluated: 2024-05-16. Review status: no assertion criteria provided. Collection method: clinical testing. Allele origin: germline. Not counted in ClinVar's aggregate classification.
Comment: The SEMA3E c.2300G>T variant is predicted to result in the amino acid substitution p.Arg767Leu. To our knowledge, this variant has not been reported in the literature or in a large population database, indicating this variant is rare. At this time, the clinical significance of this variant is uncertain due to the absence of conclusive functional and genetic evidence.

NM_012431.3(SEMA3E):c.2300G>T (p.Arg767Leu)

Gene: SEMA3E (semaphorin 3E; minus strand). Cytogenetic location: 7q21.11.
Variant type: single nucleotide variant.
Coding change: c.2300G>T on transcript NM_012431.3 (MANE Select); coding-DNA position 2300, G replaced by T.
Protein change: p.Arg767Leu; replaces arginine 767 with leucine.
Molecular consequence: missense variant.
Genome position (GRCh38, 1-based): chr7:83,367,614, C>A on the plus strand (G>T on the coding strand, the complement: SEMA3E is on the minus strand). VCF-style: chr7-83367614-C-A. GRCh37 (hg19) VCF-style: chr7-82996930-C-A.
Other names: c.2300G>T (NM_012431.2); c.2120G>T, p.Arg707Leu (NM_001178129.2); short protein forms R767L, R707L.
Identifiers: ClinVar variation 2713563 (VCV002713563.4), dbSNP rs746701899, ClinGen allele CA4321791.